The following is an entry in ClinVar:

NM_018979.4(WNK1):c.6991A>G (p.Thr2331Ala)

Gene: WNK1 (WNK lysine deficient protein kinase 1; plus strand). Cytogenetic location: 12p13.33.
Variant type: single nucleotide variant.
Coding change: c.6991A>G on transcript NM_018979.4 (MANE Select); coding-DNA position 6991, A replaced by G.
Protein change: p.Thr2331Ala; replaces threonine 2331 with alanine.
Molecular consequence: missense variant.
Genome position (GRCh38, 1-based): chr12:908,634, A>G. VCF-style: chr12-908634-A-G. GRCh37 (hg19) VCF-style: chr12-1017800-A-G.
Other names: c.7771A>G, p.Thr2591Ala (NM_001184985.2); c.6247A>G, p.Thr2083Ala (NM_014823.3); c.7747A>G, p.Thr2583Ala (NM_213655.5); short protein forms T2331A, T2591A, T2083A, T2583A.
Identifiers: ClinVar variation 2922106 (VCV002922106.3), dbSNP rs1592281993, ClinGen allele CA383341082.

ClinVar aggregate classification (germline): Uncertain significance (1 of 4 stars; one submission).

Conditions:
Neuropathy, hereditary sensory and autonomic, type 2A (HSAN2A). Also called: HSAN IIA; WNK1-Related HSAN2 (HSAN2A); ACROOSTEOLYSIS, GIACCAI TYPE; ACROOSTEOLYSIS, NEUROGENIC; MORVAN DISEASE; NEUROPATHY, CONGENITAL SENSORY. Identifiers: Orphanet 970, MedGen C2752089, MONDO:0024309, OMIM 201300.
Pseudohypoaldosteronism type 2C (PHA2C). Also called: Pseudohypoaldosteronism Type IIC. Identifiers: Orphanet 757, Orphanet 88940, MedGen C1840391, MONDO:0013778, OMIM 614492.

Submission:

Labcorp Genetics (formerly Invitae), Labcorp
Classification: Uncertain significance for Neuropathy, hereditary sensory and autonomic, type 2A; Pseudohypoaldosteronism type 2C. Last evaluated: 2024-01-10. Review status: criteria provided, single submitter. Criteria: Invitae Variant Classification Sherloc (09022015). Collection method: clinical testing. Allele origin: germline.
Comment: This sequence change replaces threonine, which is neutral and polar, with alanine, which is neutral and non-polar, at codon 2583 of the WNK1 protein (p.Thr2583Ala). This variant is not present in population databases (gnomAD no frequency). This variant has not been reported in the literature in individuals affected with WNK1-related conditions. Advanced modeling of protein sequence and biophysical properties (such as structural, functional, and spatial information, amino acid conservation, physicochemical variation, residue mobility, and thermodynamic stability) performed at Invitae indicates that this missense variant is not expected to disrupt WNK1 protein function with a negative predictive value of 95%. In summary, the available evidence is currently insufficient to determine the role of this variant in disease. Therefore, it has been classified as a Variant of Uncertain Significance.